The following is an entry in ClinVar:

ClinVar aggregate classification (germline): Uncertain significance. Review status: criteria provided, multiple submitters, no conflicts (2 of 4 stars). 2 submissions from 2 submitters: Uncertain significance (2). Last evaluated 2024-01-23.

Allele frequency attached by ClinVar (database versions not stated): TOPMed below 0.00001; ExAC 0.00001; gnomAD 0.00001; ESP Exome Variant Server 0.00008.
gnomAD v4.1: 4 of 1,614,104 alleles (0.00025%); highest among the groups gnomAD compares: African/African-American, 0.004%; no homozygotes.

Submissions (2):

GeneDx
Classification: Uncertain significance. Last evaluated: 2024-01-23. Review status: criteria provided, single submitter. Criteria: GeneDx Variant Classification Process June 2021. Collection method: clinical testing. Allele origin: germline. Affected: yes.
Comment: Not observed at significant frequency in large population cohorts (gnomAD); In silico analysis supports that this missense variant does not alter protein structure/function; Has not been previously published as pathogenic or benign to our knowledge

Labcorp Genetics (formerly Invitae), Labcorp
Classification: Uncertain significance. Last evaluated: 2023-12-11. Review status: criteria provided, single submitter. Criteria: Invitae Variant Classification Sherloc (09022015). Collection method: clinical testing. Allele origin: germline.
Comment: This sequence change replaces glycine, which is neutral and non-polar, with arginine, which is basic and polar, at codon 35 of the NARS2 protein (p.Gly35Arg). This variant is not present in population databases (gnomAD no frequency). This variant has not been reported in the literature in individuals affected with NARS2-related conditions. Advanced modeling of protein sequence and biophysical properties (such as structural, functional, and spatial information, amino acid conservation, physicochemical variation, residue mobility, and thermodynamic stability) performed at Invitae indicates that this missense variant is not expected to disrupt NARS2 protein function with a negative predictive value of 80%. In summary, the available evidence is currently insufficient to determine the role of this variant in disease. Therefore, it has been classified as a Variant of Uncertain Significance.

NM_024678.6(NARS2):c.103G>C (p.Gly35Arg)

Gene: NARS2 (asparaginyl-tRNA synthetase 2, mitochondrial; minus strand). Cytogenetic location: 11q14.1.
Variant type: single nucleotide variant.
Coding change: c.103G>C on transcript NM_024678.6 (MANE Select); coding-DNA position 103, G replaced by C.
Protein change: p.Gly35Arg; replaces glycine 35 with arginine.
Molecular consequence: missense variant. On other transcripts: intron variant (1).
Genome position (GRCh38, 1-based): chr11:78,574,386, C>G on the plus strand (G>C on the coding strand, the complement: NARS2 is on the minus strand). VCF-style: chr11-78574386-C-G. GRCh37 (hg19) VCF-style: chr11-78285431-C-G.
Other names: c.103G>C (NM_024678.5); c.-541+443G>C (NM_001243251.2); c.103G>C, p.Gly35Arg (NM_001425299.1, NM_001425300.1, NM_001425301.1 and 8 more transcripts); c.-454G>C (NM_001425311.1); short protein forms G35R.
Identifiers: ClinVar variation 2878274 (VCV002878274.4), dbSNP rs371097182, ClinGen allele CA6205974.